The following is an entry in ClinVar:

ClinVar aggregate classification (germline): Likely benign (1 of 4 stars; one submission).

Conditions:
Glycogen storage disease, type II (IOPD). Also called: Pompe Disease; CARDIOMEGALIA GLYCOGENICA DIFFUSA; GLYCOGENOSIS, GENERALIZED, CARDIAC FORM; GSD II; POMPE DISEASE, INFANTILE-ONSET; GLYCOGEN STORAGE DISEASE II, INFANTILE-ONSET. Identifiers: Orphanet 365, MedGen C0017921, MONDO:0009290, OMIM 232300.

Submission:

Genomenon, Inc
Classification: Likely benign for Glycogen storage disease, type II. Last evaluated: 2026-07-01. Review status: criteria provided, single submitter. Criteria: Genomenon Sequence Variant Interpretation Standards - Updated. Collection method: curation. Allele origin: germline. Affected: no.
Comment: GAA c.546+23C>G is an intronic variant located in intron 2. This variant has been reported in the published literature (PMID:30471092). It is absent or not present at a significant frequency in gnomAD. This variant is not predicted to impact splicing. In conclusion, we classify GAA c.546+23C>G as a likely benign variant.

Literature cited by the submitters: PubMed 30471092.

NM_000152.5(GAA):c.546+23C>G

Gene: GAA (alpha glucosidase; plus strand). Cytogenetic location: 17q25.3.
Variant type: single nucleotide variant.
Coding change: c.546+23C>G on transcript NM_000152.5 (MANE Select); 23 bases into the intron after coding-DNA position 546, C replaced by G.
Molecular consequence: intron variant.
Genome position (GRCh38, 1-based): chr17:80,105,155, C>G. VCF-style: chr17-80105155-C-G. GRCh37 (hg19) VCF-style: chr17-78078954-C-G.
Other names: c.546+23C>G (NM_001406741.1, NM_001406742.1, NM_001079803.3 and 1 more transcripts).
Identifiers: ClinVar variation 4876401 (VCV004876401.1).